The following is an entry in ClinVar:

NM_003924.4(PHOX2B):c.455A>C (p.Lys152Thr)

Gene: PHOX2B (paired like homeobox 2B; minus strand). Cytogenetic location: 4p13.
Variant type: single nucleotide variant.
Coding change: c.455A>C on transcript NM_003924.4 (MANE Select); coding-DNA position 455, A replaced by C.
Protein change: p.Lys152Thr; replaces lysine 152 with threonine.
Molecular consequence: missense variant.
Genome position (GRCh38, 1-based): chr4:41,746,297, T>G on the plus strand (A>C on the coding strand, the complement: PHOX2B is on the minus strand). VCF-style: chr4-41746297-T-G. GRCh37 (hg19) VCF-style: chr4-41748314-T-G.
Other names: short protein forms K152T.
Identifiers: ClinVar variation 5026600 (VCV005026600.1).

ClinVar aggregate classification (germline): Uncertain significance (1 of 4 stars; one submission).

Conditions:
Hereditary cancer-predisposing syndrome. Also called: Neoplastic Syndromes, Hereditary; Tumor predisposition; Hereditary neoplastic syndrome; Hereditary Cancer Syndrome. Identifiers: Orphanet 140162, MedGen C0027672, MeSH D009386, MONDO:0015356.

Submission:

Ambry Genetics
Classification: Uncertain significance for Hereditary cancer-predisposing syndrome. Last evaluated: 2026-07-07. Review status: criteria provided, single submitter. Criteria: Ambry Variant Classification Scheme 2023. Collection method: clinical testing. Allele origin: germline.
Comment: The p.K152T variant (also known as c.455A>C), located in coding exon 3 of the PHOX2B gene, results from an A to C substitution at nucleotide position 455. The lysine at codon 152 is replaced by threonine, an amino acid with similar properties. This amino acid position is conserved. In addition, this alteration is predicted to be deleterious by in silico analysis. Based on the available evidence, the clinical significance of this variant remains unclear.